The following is an entry in ClinVar:

NM_017739.4(POMGNT1):c.1540-3C>T

Genes: POMGNT1 (protein O-linked mannose N-acetylglucosaminyltransferase 1 (beta 1,2-); minus strand), TSPAN1 (tetraspanin 1; plus strand). Cytogenetic location: 1p34.1.
Variant type: single nucleotide variant.
Coding change: c.1540-3C>T on transcript NM_017739.4 (MANE Select); 3 bases into the intron before coding-DNA position 1540, C replaced by T.
Molecular consequence: intron variant.
Genome position (GRCh38, 1-based): chr1:46,190,787, G>A on the plus strand (C>T on the coding strand, the complement: POMGNT1 is on the minus strand). VCF-style: chr1-46190787-G-A. GRCh37 (hg19) VCF-style: chr1-46656459-G-A.
Other names: c.1474-3C>T (NM_001438692.1, NM_001290129.3, NM_001438691.1); c.1540-3C>T (NM_001410783.1, NM_001438689.1, NM_001438686.1 and 3 more transcripts); c.1111-3C>T (NM_001290130.2).
Identifiers: ClinVar variation 2003332 (VCV002003332.4), dbSNP rs2525360780, ClinGen allele CA2580062927.

ClinVar aggregate classification (germline): Uncertain significance (1 of 4 stars; one submission).

Conditions:
Autosomal recessive limb-girdle muscular dystrophy type 2O. Also called: Limb-Girdle Muscular Dystrophy Type 3C; MUSCULAR DYSTROPHY-DYSTROGLYCANOPATHY (LIMB-GIRDLE), TYPE C, 3; MUSCULAR DYSTROPHY-DYSTROGLYCANOPATHY, LIMB-GIRDLE, POMGNT1-RELATED. Identifiers: Orphanet 206564, MedGen C3150417, MONDO:0013161, OMIM 613157.
Muscular dystrophy-dystroglycanopathy (congenital with impaired intellectual development), type B, 3. Also called: MUSCULAR DYSTROPHY, CONGENITAL, POMGNT1-RELATED; Muscular dystrophy-dystroglycanopathy (congenital with intellectual disability), type B3. Identifiers: MedGen C3150412, MONDO:0013155, OMIM 613151.

Submission:

Labcorp Genetics (formerly Invitae), Labcorp
Classification: Uncertain significance for Autosomal recessive limb-girdle muscular dystrophy type 2O; Muscular dystrophy-dystroglycanopathy (congenital with impaired intellectual development), type B, 3. Last evaluated: 2022-08-15. Review status: criteria provided, single submitter. Criteria: Invitae Variant Classification Sherloc (09022015). Collection method: clinical testing. Allele origin: germline.
Comment: This variant has not been reported in the literature in individuals affected with POMGNT1-related conditions. This variant is not present in population databases (gnomAD no frequency). This sequence change falls in intron 17 of the POMGNT1 gene. It does not directly change the encoded amino acid sequence of the POMGNT1 protein. It affects a nucleotide within the consensus splice site. In summary, the available evidence is currently insufficient to determine the role of this variant in disease. Therefore, it has been classified as a Variant of Uncertain Significance. Variants that disrupt the consensus splice site are a relatively common cause of aberrant splicing (PMID: 17576681, 9536098). Algorithms developed to predict the effect of sequence changes on RNA splicing suggest that this variant may disrupt the consensus splice site.

Literature cited by the submitters: PubMed 17576681; PubMed 9536098.